The following is an entry in ClinVar:

NM_000543.5(SMPD1):c.1264-78A>G

Gene: SMPD1 (sphingomyelin phosphodiesterase 1; plus strand). Cytogenetic location: 11p15.4.
Variant type: single nucleotide variant.
Coding change: c.1264-78A>G on transcript NM_000543.5 (MANE Select); 78 bases into the intron before coding-DNA position 1264, A replaced by G.
Molecular consequence: intron variant.
Genome position (GRCh38, 1-based): chr11:6,393,539, A>G. VCF-style: chr11-6393539-A-G. GRCh37 (hg19) VCF-style: chr11-6414769-A-G.
Other names: c.343-78A>G (NM_001318088.2); c.1132-78A>G (NM_001365135.2); c.1264-78A>G (NM_001318087.2); c.1261-78A>G (NM_001007593.3).
Identifiers: ClinVar variation 1707296 (VCV001707296.2), dbSNP rs112031494, ClinGen allele CA217301879.

ClinVar aggregate classification (germline): Likely benign (1 of 4 stars; one submission).

Allele frequency attached by ClinVar (database versions not stated): gnomAD exomes 0.00022; gnomAD 0.00249; TOPMed 0.00261; 1000 Genomes Project 30x 0.00281; 1000 Genomes Project 0.00300.

Submission:

GeneDx
Classification: Likely benign. Last evaluated: 2021-06-11. Review status: criteria provided, single submitter. Criteria: GeneDx Variant Classification Process June 2021. Collection method: clinical testing. Allele origin: germline. Affected: yes.
Comment: See Variant Classification Assertion Criteria.